The following is an entry in ClinVar:

NM_213599.3(ANO5):c.1873G>T (p.Gly625Ter)

Gene: ANO5 (anoctamin 5; plus strand). Cytogenetic location: 11p14.3.
Variant type: single nucleotide variant.
Coding change: c.1873G>T on transcript NM_213599.3 (MANE Select); coding-DNA position 1873, G replaced by T.
Protein change: p.Gly625Ter; replaces glycine 625 with a stop codon.
Molecular consequence: nonsense.
Genome position (GRCh38, 1-based): chr11:22,263,018, G>T. VCF-style: chr11-22263018-G-T. GRCh37 (hg19) VCF-style: chr11-22284564-G-T.
Other names: c.1870G>T, p.Gly624Ter (NM_001142649.2); c.1831G>T, p.Gly611Ter (NM_001410963.1); c.1828G>T, p.Gly610Ter (NM_001410964.1); short protein forms G611*, G610*, G624*, G625*.
Identifiers: ClinVar variation 2115016 (VCV002115016.4), dbSNP rs2494324095, ClinGen allele CA379923035.
Genomic context (GRCh38, chr11:22,263,018, plus strand): 5'-GGCTGTCTTATAGAATTGACAACCCAATTGACCATTATAATGACCGGGAAACAGATTTTT[G>T]GAAACATTAAAGAAGCCATTTATCCGTATGTATGACTTACAAGCTTTTTATTTGATTTAA-3'

ClinVar aggregate classification (germline): Pathogenic (1 of 4 stars; one submission).

Conditions:
Gnathodiaphyseal dysplasia (GDD). Also called: GNATHODIAPHYSEAL SCLEROSIS; OSTEOGENESIS IMPERFECTA WITH UNUSUAL SKELETAL LESIONS. Identifiers: Orphanet 53697, MedGen C1833736, MONDO:0008151, OMIM 166260.
Autosomal recessive limb-girdle muscular dystrophy type 2L (LGMDR12). Also called: Limb-girdle muscular dystrophy, type 2L; MUSCULAR DYSTROPHY, LIMB-GIRDLE, AUTOSOMAL RECESSIVE 12; Limb-Girdle Muscular Dystrophy R12 Anoctamin-5-Related (LGMD-R12). Identifiers: Orphanet 206549, MedGen C1969785, MONDO:0012652, OMIM 611307.

gnomAD v4.1: 1 of 1,613,032 alleles (0.000062%); highest among the groups gnomAD compares: Non-Finnish European, 0.000085%; no homozygotes.

Submission:

Labcorp Genetics (formerly Invitae), Labcorp
Classification: Pathogenic for Autosomal recessive limb-girdle muscular dystrophy type 2L; Gnathodiaphyseal dysplasia. Last evaluated: 2023-04-24. Review status: criteria provided, single submitter. Criteria: Invitae Variant Classification Sherloc (09022015). Collection method: clinical testing. Allele origin: germline.
Comment: For these reasons, this variant has been classified as Pathogenic. Algorithms developed to predict the effect of sequence changes on RNA splicing suggest that this variant may disrupt the consensus splice site. ClinVar contains an entry for this variant (Variation ID: 2115016). This variant has not been reported in the literature in individuals affected with ANO5-related conditions. This variant is not present in population databases (gnomAD no frequency). This sequence change creates a premature translational stop signal (p.Gly625*) in the ANO5 gene. It is expected to result in an absent or disrupted protein product. Loss-of-function variants in ANO5 are known to be pathogenic (PMID: 21186264, 23606453, 25891276, 30919934).

Literature cited by the submitters: PubMed 21186264; PubMed 23606453; PubMed 25891276; PubMed 30919934.